The following is an entry in ClinVar:

ClinVar aggregate classification (germline): Uncertain significance (1 of 4 stars; one submission).

Conditions:
Hereditary cancer-predisposing syndrome. Also called: Neoplastic Syndromes, Hereditary; Tumor predisposition; Hereditary neoplastic syndrome; Hereditary Cancer Syndrome. Identifiers: Orphanet 140162, MedGen C0027672, MeSH D009386, MONDO:0015356.
Cardiovascular phenotype. Identifiers: MedGen CN230736.

Submission:

Ambry Genetics
Classification: Uncertain significance for Cardiovascular phenotype; Hereditary cancer-predisposing syndrome. Last evaluated: 2024-12-19. Review status: criteria provided, single submitter. Criteria: Ambry Variant Classification Scheme 2023. Collection method: clinical testing. Allele origin: germline.
Comment: The p.L423W variant (also known as c.1268T>G), located in coding exon 12 of the NF1 gene, results from a T to G substitution at nucleotide position 1268. The leucine at codon 423 is replaced by tryptophan, an amino acid with similar properties. This amino acid position is highly conserved in available vertebrate species. In addition, this alteration is predicted to be deleterious by in silico analysis. Based on the available evidence, the clinical significance of this variant remains unclear.

NM_001042492.3(NF1):c.1268T>G (p.Leu423Trp)

Gene: NF1 (neurofibromin 1; plus strand). Cytogenetic location: 17q11.2.
Variant type: single nucleotide variant.
Coding change: c.1268T>G on transcript NM_001042492.3 (MANE Select); coding-DNA position 1268, T replaced by G.
Protein change: p.Leu423Trp; replaces leucine 423 with tryptophan.
Molecular consequence: missense variant.
Genome position (GRCh38, 1-based): chr17:31,206,247, T>G. VCF-style: chr17-31206247-T-G. GRCh37 (hg19) VCF-style: chr17-29533265-T-G.
Other names: c.1268T>G, p.Leu423Trp (NM_000267.4, NM_001128147.3); short protein forms L423W.
Identifiers: ClinVar variation 2452207 (VCV002452207.3), dbSNP rs2544810806, ClinGen allele CA398999082.
Genomic context (GRCh38, chr17:31,206,247, plus strand): 5'-CAACTCACGTAATTTTGTACTTTTTCTTCCTATTGGTCTTTGTTTTTCTCTAGTCCGCAT[T>G]GGATTGGTGGCCTAAGATTGATGCTGTGTATTGTCACTCGGTTGAACTTCGAAATATGTT-3'
Protein context (NP_001035957.1, residues 413-433): SLHRIITNSA[Leu423Trp]DWWPKIDAVY